The following is an entry in ClinVar:

ClinVar aggregate classification (germline): Benign/Likely benign. Review status: criteria provided, multiple submitters, no conflicts (2 of 4 stars). 22 submissions from 15 submitters: Benign (18); Likely benign (2). 2 of the submissions do not count toward it. Last evaluated 2026-02-04.

Conditions:
Dilated cardiomyopathy 1G (CMD1G). Identifiers: Orphanet 154, MedGen C1858763, MONDO:0011400, OMIM 604145.
Autosomal recessive limb-girdle muscular dystrophy type 2J (LGMDR10). Also called: MUSCULAR DYSTROPHY, LIMB-GIRDLE, AUTOSOMAL RECESSIVE 10; Limb-girdle muscular dystrophy, type 2J. Identifiers: Orphanet 140922, MedGen C1837342, MONDO:0012127, OMIM 608807.
Cardiovascular phenotype. Identifiers: MedGen CN230736.
Early-onset myopathy with fatal cardiomyopathy (CMYO5). Also called: CONGENITAL MYOPATHY 5 WITH CARDIOMYOPATHY; Salih Myopathy. Identifiers: Orphanet 289377, MedGen C2673677, MONDO:0012714, OMIM 611705. Disease mechanism: loss of function.
Myopathy, myofibrillar, 9, with early respiratory failure (MFM9). Also called: Myopathy, distal, with early respiratory failure, autosomal dominant; Hereditary myopathy with early respiratory failure; MYOPATHY, PROXIMAL, WITH EARLY RESPIRATORY MUSCLE INVOLVEMENT; EDSTROM MYOPATHY. Identifiers: Orphanet 178464, Orphanet 34521, MedGen C1863599, MONDO:0011362, OMIM 603689.
Tibial muscular dystrophy (TMD). Also called: Udd Distal Myopathy – Tibial Muscular Dystrophy; Tibial muscular dystrophy, tardive; UDD MYOPATHY. Identifiers: Orphanet 609, MedGen C1838244, MONDO:0010870, OMIM 600334.

Allele frequency attached by ClinVar (database versions not stated): gnomAD 0.13367 and 0.14046; TOPMed 0.13798; 1000 Genomes Project 0.21306; gnomAD exomes 0.17704 and 0.15413; ESP Exome Variant Server 0.12529; ExAC 0.17678; 1000 Genomes Project 30x 0.20690.
gnomAD v4.1: 247,385 of 1,612,920 alleles (15%); highest among the groups gnomAD compares: East Asian, 44%; 22,173 homozygotes.

Submissions (22):

Labcorp Genetics (formerly Invitae), Labcorp
Classification: Benign for Dilated cardiomyopathy 1G; Autosomal recessive limb-girdle muscular dystrophy type 2J. Last evaluated: 2026-02-04. Review status: criteria provided, single submitter. Criteria: Invitae Variant Classification Sherloc (09022015). Collection method: clinical testing. Allele origin: germline.

Molecular Diagnostic Laboratory for Inherited Cardiovascular Disease, Montreal Heart Institute
Classification: Benign. Last evaluated: 2025-04-09. Review status: criteria provided, single submitter. Criteria: ACMG Guidelines, 2015. Collection method: clinical testing. Allele origin: germline. Affected: no.

Genome-Nilou Lab
Classification: Benign for Autosomal recessive limb-girdle muscular dystrophy type 2J. Last evaluated: 2021-09-10. Review status: criteria provided, single submitter. Criteria: ACMG Guidelines, 2015. Collection method: clinical testing. Allele origin: germline. Affected: no.

Genome-Nilou Lab
Classification: Benign for Myopathy, myofibrillar, 9, with early respiratory failure. Last evaluated: 2021-09-10. Review status: criteria provided, single submitter. Criteria: ACMG Guidelines, 2015. Collection method: clinical testing. Allele origin: germline. Affected: no.

Genome-Nilou Lab
Classification: Benign for Early-onset myopathy with fatal cardiomyopathy. Last evaluated: 2021-09-10. Review status: criteria provided, single submitter. Criteria: ACMG Guidelines, 2015. Collection method: clinical testing. Allele origin: germline. Affected: no.

Genome-Nilou Lab
Classification: Benign for Tibial muscular dystrophy. Last evaluated: 2021-09-10. Review status: criteria provided, single submitter. Criteria: ACMG Guidelines, 2015. Collection method: clinical testing. Allele origin: germline. Affected: no.

Women's Health and Genetics/Laboratory Corporation of America, LabCorp
Classification: Likely benign. Last evaluated: 2020-08-18. Review status: criteria provided, single submitter. Criteria: LabCorp Variant Classification Summary - May 2015. Collection method: clinical testing. Allele origin: germline.

Athena Diagnostics
Classification: Benign. Last evaluated: 2018-09-21. Review status: criteria provided, single submitter. Criteria: Athena Diagnostics Criteria. Collection method: clinical testing. Allele origin: germline.

Illumina Laboratory Services, Illumina
Classification: Benign for Autosomal recessive limb-girdle muscular dystrophy type 2J. Last evaluated: 2018-01-13. Review status: criteria provided, single submitter. Criteria: ICSL Variant Classification Criteria 13 December 2019. Collection method: clinical testing. Allele origin: germline.
Comment: This variant was observed in the ICSL laboratory as part of a predisposition screen in an ostensibly healthy population. It had not been previously curated by ICSL or reported in the Human Gene Mutation Database (HGMD: prior to June 1st, 2018), and was therefore a candidate for classification through an automated scoring system. Utilizing variant allele frequency, disease prevalence and penetrance estimates, and inheritance mode, an automated score was calculated to assess if this variant is too frequent to cause the disease. Based on the score and internal cut-off values, a variant classified as benign is not then subjected to further curation. The score for this variant resulted in a classification of benign for this disease.

Illumina Laboratory Services, Illumina
Classification: Benign for Early-onset myopathy with fatal cardiomyopathy. Last evaluated: 2018-01-13. Review status: criteria provided, single submitter. Criteria: ICSL Variant Classification Criteria 13 December 2019. Collection method: clinical testing. Allele origin: germline.
Comment: the same text as in the submission from Illumina Laboratory Services, Illumina above.

Illumina Laboratory Services, Illumina
Classification: Benign for Dilated cardiomyopathy 1G. Last evaluated: 2018-01-13. Review status: criteria provided, single submitter. Criteria: ICSL Variant Classification Criteria 13 December 2019. Collection method: clinical testing. Allele origin: germline.
Comment: the same text as in the submission from Illumina Laboratory Services, Illumina above.

Illumina Laboratory Services, Illumina
Classification: Benign for Tibial muscular dystrophy. Last evaluated: 2018-01-13. Review status: criteria provided, single submitter. Criteria: ICSL Variant Classification Criteria 13 December 2019. Collection method: clinical testing. Allele origin: germline.
Comment: the same text as in the submission from Illumina Laboratory Services, Illumina above.

Illumina Laboratory Services, Illumina
Classification: Benign for Myopathy, myofibrillar, 9, with early respiratory failure. Last evaluated: 2018-01-13. Review status: criteria provided, single submitter. Criteria: ICSL Variant Classification Criteria 13 December 2019. Collection method: clinical testing. Allele origin: germline.
Comment: the same text as in the submission from Illumina Laboratory Services, Illumina above.

Mayo Clinic Laboratories, Mayo Clinic
Classification: Benign. Last evaluated: 2017-08-25. Review status: criteria provided, single submitter. Criteria: ACMG Guidelines, 2015. Collection method: clinical testing. Allele origin: germline. Observed: 627 variant alleles.

Genetic Services Laboratory, University of Chicago
Classification: Benign for AllHighlyPenetrant. Last evaluated: 2013-08-15. Review status: criteria provided, single submitter. Criteria: ACMG Guidelines, 2007. Collection method: clinical testing. Allele origin: germline.

Ambry Genetics
Classification: Benign for Cardiovascular phenotype. Last evaluated: 2013-01-16. Review status: criteria provided, single submitter. Criteria: Ambry Autosomal Dominant and X-Linked criteria (10/2015). Collection method: clinical testing. Allele origin: germline. Observed: 1 variant allele.

GeneDx
Classification: Benign. Last evaluated: 2012-10-31. Review status: criteria provided, single submitter. Criteria: GeneDx Variant Classification (06012015). Collection method: clinical testing. Allele origin: germline. Affected: yes.
Comment: This variant is considered likely benign or benign based on one or more of the following criteria: it is a conservative change, it occurs at a poorly conserved position in the protein, it is predicted to be benign by multiple in silico algorithms, and/or has population frequency not consistent with disease.

Laboratory for Molecular Medicine, Mass General Brigham Personalized Medicine
Classification: Benign. Last evaluated: 2011-11-01. Review status: criteria provided, single submitter. Criteria: LMM Criteria. Collection method: clinical testing. Allele origin: germline. Observed: 491 variant alleles.

Breakthrough Genomics
Classification: Likely benign. Review status: criteria provided, single submitter. Criteria: ACMG Guidelines, 2015. Collection method: not provided. Allele origin: germline. Inheritance: Autosomal recessive inheritance. Affected: yes.

PreventionGenetics, part of Exact Sciences
Classification: Benign. Review status: criteria provided, single submitter. Criteria: ACMG Guidelines, 2015. Collection method: clinical testing. Allele origin: germline.

Clinical Genetics DNA and cytogenetics Diagnostics Lab, Erasmus MC, Erasmus Medical Center
Classification: Benign. Review status: no assertion criteria provided. Collection method: clinical testing. Allele origin: germline. Affected: yes. Study: VKGL Data-share Consensus. Not counted in ClinVar's aggregate classification.

Clinical Genetics, Academic Medical Center
Classification: Benign. Review status: no assertion criteria provided. Collection method: clinical testing. Allele origin: germline. Affected: yes. Study: VKGL Data-share Consensus. Not counted in ClinVar's aggregate classification.

NM_001267550.2(TTN):c.59585C>T (p.Pro19862Leu)

Genes: TTN (titin; minus strand), TTN-AS1 (TTN antisense RNA 1; plus strand), LOC126806424 (CDK7 strongly-dependent group 2 enhancer GRCh37_chr2:179456337-179457536; plus strand). Cytogenetic location: 2q31.2.
Variant type: single nucleotide variant.
Coding change: c.59585C>T on transcript NM_001267550.2 (MANE Select); coding-DNA position 59585, C replaced by T.
Protein change: p.Pro19862Leu; replaces proline 19862 with leucine.
Molecular consequence: missense variant.
Genome position (GRCh38, 1-based): chr2:178,592,420, G>A on the plus strand (C>T on the coding strand, the complement: TTN is on the minus strand). VCF-style: chr2-178592420-G-A. GRCh37 (hg19) VCF-style: chr2-179457147-G-A.
Other names: p.P18221L:CCA>CTA; c.54662C>T, p.Pro18221Leu (NM_001256850.1); c.32390C>T, p.Pro10797Leu (NM_003319.4); c.51881C>T, p.Pro17294Leu (NM_133378.4); c.32765C>T, p.Pro10922Leu (NM_133432.3); c.32966C>T, p.Pro10989Leu (NM_133437.4); short protein forms P19862L, P17294L, P18221L, P10922L, P10989L, P10797L.
Identifiers: ClinVar variation 47152 (VCV000047152.35), dbSNP rs16866406, ClinGen allele CA283515.